The following is an entry in ClinVar:

NM_006180.6(NTRK2):c.2033C>T (p.Ala678Val)

Gene: NTRK2 (neurotrophic receptor tyrosine kinase 2; plus strand). Cytogenetic location: 9q21.33.
Variant type: single nucleotide variant.
Coding change: c.2033C>T on transcript NM_006180.6 (MANE Select); coding-DNA position 2033, C replaced by T.
Protein change: p.Ala678Val; replaces alanine 678 with valine.
Molecular consequence: missense variant.
Genome position (GRCh38, 1-based): chr9:84,955,378, C>T. VCF-style: chr9-84955378-C-T. GRCh37 (hg19) VCF-style: chr9-87570293-C-T.
Other names: c.1985C>T, p.Ala662Val (NM_001018064.3, NM_001369532.1, NM_001369533.1); c.1949C>T, p.Ala650Val (NM_001369534.1); c.1517C>T, p.Ala506Val (NM_001369535.1); c.1565C>T, p.Ala522Val (NM_001369536.1); short protein forms A522V, A506V, A678V, A650V, A662V.
Identifiers: ClinVar variation 1393489 (VCV001393489.7), dbSNP rs202111708, ClinGen allele CA195815115.
Genomic context (GRCh38, chr9:84,955,378, plus strand): 5'-GCAACCCGCCCACGGAACTGACGCAGTCGCAGATGCTGCATATAGCCCAGCAGATCGCCG[C>T]GGGCATGGTCTACCTGGCGTCCCAGCACTTCGTGCACCGCGATTTGGCCACCAGGAACTG-3'
Protein context (NP_006171.2, residues 668-688): QMLHIAQQIA[Ala678Val]GMVYLASQHF

ClinVar aggregate classification (germline): Conflicting classifications of pathogenicity. Review status: criteria provided, conflicting classifications (1 of 4 stars). 2 submissions from 2 submitters: Likely pathogenic (1); Uncertain significance (1). Last evaluated 2026-09-04.

Conditions:
Obesity, hyperphagia, and developmental delay (OBHD). Identifiers: Orphanet 99704, MedGen C3151303, MONDO:0013483, OMIM 613886.

Allele frequency attached by ClinVar (database versions not stated): gnomAD exomes below 0.00001; gnomAD 0.00001.
gnomAD v4.1: 4 of 1,613,948 alleles (0.00025%); highest among the groups gnomAD compares: East Asian, 0.0022%; no homozygotes.

Submissions (2):

MVZ Martinsried, Medicover Genetics
Classification: Likely pathogenic for Obesity, hyperphagia, and developmental delay. Last evaluated: 2026-09-04. Review status: criteria provided, single submitter. Criteria: ClinGen Variant Curation SOP V3.2 + Classification Guidance July2025. Collection method: clinical testing. Allele origin: de novo. Affected: yes. Observed: 1 heterozygote.

Labcorp Genetics (formerly Invitae), Labcorp
Classification: Uncertain significance. Last evaluated: 2022-08-15. Review status: criteria provided, single submitter. Criteria: Invitae Variant Classification Sherloc (09022015). Collection method: clinical testing. Allele origin: germline.
Comment: In summary, the available evidence is currently insufficient to determine the role of this variant in disease. Therefore, it has been classified as a Variant of Uncertain Significance. Advanced modeling of protein sequence and biophysical properties (such as structural, functional, and spatial information, amino acid conservation, physicochemical variation, residue mobility, and thermodynamic stability) performed at Invitae indicates that this missense variant is expected to disrupt NTRK2 protein function. ClinVar contains an entry for this variant (Variation ID: 1393489). This variant has not been reported in the literature in individuals affected with NTRK2-related conditions. This variant is not present in population databases (gnomAD no frequency). This sequence change replaces alanine, which is neutral and non-polar, with valine, which is neutral and non-polar, at codon 678 of the NTRK2 protein (p.Ala678Val).